The following is an entry in ClinVar:

ClinVar aggregate classification (germline): Uncertain significance. Review status: criteria provided, single submitter (1 of 4 stars). 2 submissions from 2 submitters: Uncertain significance (1). 1 of the submissions does not count toward it. Last evaluated 2020-06-18.

Conditions:
Acral peeling skin syndrome. Also called: Peeling skin syndrome 2. Identifiers: Orphanet 263534, MedGen C1853354, MONDO:0012345, OMIM 609796.

Allele frequency attached by ClinVar (database versions not stated): gnomAD 0.00001; gnomAD exomes 0.00001; TOPMed 0.00002; ESP Exome Variant Server 0.00008.
gnomAD v4.1: 14 of 1,614,042 alleles (0.00087%); highest among the groups gnomAD compares: Non-Finnish European, 0.00059%; no homozygotes.

Submissions (2):

GeneDx
Classification: Uncertain significance. Last evaluated: 2020-06-18. Review status: criteria provided, single submitter. Criteria: GeneDx Variant Classification Process June 2021. Collection method: clinical testing. Allele origin: germline. Affected: yes.
Comment: Not observed at a significant frequency in large population cohorts (Lek et al., 2016); In silico analysis supports that this missense variant has a deleterious effect on protein structure/function; This variant is associated with the following publications: (PMID: 22622422)

OMIM
Classification: Pathogenic for PEELING SKIN SYNDROME 2. Last evaluated: 2012-10-01. Review status: no assertion criteria provided. Collection method: literature only. Allele origin: germline. Not counted in ClinVar's aggregate classification.

Literature cited by the submitters: PubMed 22622422 (cited by OMIM).

NM_201631.4(TGM5):c.122T>C (p.Leu41Pro)

Gene: TGM5 (transglutaminase 5; minus strand). Cytogenetic location: 15q15.2.
Variant type: single nucleotide variant.
Coding change: c.122T>C on transcript NM_201631.4 (MANE Select); coding-DNA position 122, T replaced by C.
Protein change: p.Leu41Pro; replaces leucine 41 with proline.
Molecular consequence: missense variant.
Genome position (GRCh38, 1-based): chr15:43,260,468, A>G on the plus strand (T>C on the coding strand, the complement: TGM5 is on the minus strand). VCF-style: chr15-43260468-A-G. GRCh37 (hg19) VCF-style: chr15-43552666-A-G.
Other names: c.122T>C, p.Leu41Pro (NM_004245.4); short protein forms L41P.
Identifiers: ClinVar variation 157569 (VCV000157569.3), dbSNP rs143601447, ClinGen allele CA170980.